The following is an entry in ClinVar:

NM_000228.3(LAMB3):c.3403C>T (p.Arg1135Trp)

Gene: LAMB3 (laminin subunit beta 3; minus strand). Cytogenetic location: 1q32.2.
Variant type: single nucleotide variant.
Coding change: c.3403C>T on transcript NM_000228.3 (MANE Select); coding-DNA position 3403, C replaced by T.
Protein change: p.Arg1135Trp; replaces arginine 1135 with tryptophan.
Molecular consequence: missense variant.
Genome position (GRCh38, 1-based): chr1:209,615,387, G>A on the plus strand (C>T on the coding strand, the complement: LAMB3 is on the minus strand). VCF-style: chr1-209615387-G-A. GRCh37 (hg19) VCF-style: chr1-209788732-G-A.
Other names: c.3403C>T, p.Arg1135Trp (NM_001017402.2, NM_001127641.1); short protein forms R1135W.
Identifiers: ClinVar variation 2059203 (VCV002059203.1), dbSNP rs373007866, ClinGen allele CA1374869.

ClinVar aggregate classification (germline): Uncertain significance (1 of 4 stars; one submission).

Allele frequency attached by ClinVar (database versions not stated): ExAC 0.00006; gnomAD exomes 0.00006; gnomAD 0.00007; ESP Exome Variant Server 0.00008; TOPMed 0.00008; 1000 Genomes Project 0.00040; 1000 Genomes Project 30x 0.00047.
gnomAD v4.1: 97 of 1,606,044 alleles (0.006%); highest among the groups gnomAD compares: East Asian, 0.016%; no homozygotes.

Submission:

Labcorp Genetics (formerly Invitae), Labcorp
Classification: Uncertain significance. Last evaluated: 2021-08-27. Review status: criteria provided, single submitter. Criteria: Invitae Variant Classification Sherloc (09022015). Collection method: clinical testing. Allele origin: germline.
Comment: This sequence change replaces arginine with tryptophan at codon 1135 of the LAMB3 protein (p.Arg1135Trp). The arginine residue is weakly conserved and there is a moderate physicochemical difference between arginine and tryptophan. This variant is present in population databases (rs373007866, ExAC 0.04%). This variant has not been reported in the literature in individuals affected with LAMB3-related conditions. Algorithms developed to predict the effect of missense changes on protein structure and function are either unavailable or do not agree on the potential impact of this missense change (SIFT: "Deleterious"; PolyPhen-2: "Benign"; Align-GVGD: "Class C0"). In summary, the available evidence is currently insufficient to determine the role of this variant in disease. Therefore, it has been classified as a Variant of Uncertain Significance.